The following is an entry in ClinVar:

ClinVar aggregate classification (germline): Likely benign. Review status: criteria provided, multiple submitters, no conflicts (2 of 4 stars). 2 submissions from 2 submitters: Likely benign (2). Last evaluated 2026-06-03.

Conditions:
CNGB1-related disorder. Also called: CNGB1-related condition.

Allele frequency attached by ClinVar (database versions not stated): gnomAD exomes 0.00003.
gnomAD v4.1: 36 of 1,614,172 alleles (0.0022%); highest among the groups gnomAD compares: Non-Finnish European, 0.003%; no homozygotes.

Submissions (2):

PreventionGenetics, part of Exact Sciences
Classification: Likely benign for CNGB1-related condition. Last evaluated: 2026-06-03. Review status: criteria provided, single submitter. Criteria: ACMG Guidelines, 2015. Collection method: clinical testing. Allele origin: germline.
Comment: This variant is classified as likely benign based on ACMG/AMP sequence variant interpretation guidelines (Richards et al. 2015 PMID: 25741868, with internal and published modifications).

Labcorp Genetics (formerly Invitae), Labcorp
Classification: Likely benign. Last evaluated: 2022-09-03. Review status: criteria provided, single submitter. Criteria: Invitae Variant Classification Sherloc (09022015). Collection method: clinical testing. Allele origin: germline.

NM_001297.5(CNGB1):c.25C>T (p.Leu9=)

Gene: CNGB1 (cyclic nucleotide gated channel subunit beta 1; minus strand). Cytogenetic location: 16q21.
Variant type: single nucleotide variant.
Coding change: c.25C>T on transcript NM_001297.5 (MANE Select); coding-DNA position 25, C replaced by T.
Protein change: p.Leu9=; no amino-acid change (leucine 9 retained).
Molecular consequence: synonymous variant.
Genome position (GRCh38, 1-based): chr16:57,967,262, G>A on the plus strand (C>T on the coding strand, the complement: CNGB1 is on the minus strand). VCF-style: chr16-57967262-G-A. GRCh37 (hg19) VCF-style: chr16-58001166-G-A.
Other names: c.25C>T, p.Leu9= (NM_001135639.2, NM_001286130.2); c.25C>T (NM_001297.4).
Identifiers: ClinVar variation 2114272 (VCV002114272.5), dbSNP rs1458814515, ClinGen allele CA495650359.